The following is an entry in ClinVar:

ClinVar aggregate classification (germline): Uncertain significance. Review status: criteria provided, multiple submitters, no conflicts (2 of 4 stars). 2 submissions from 2 submitters: Uncertain significance (2). Last evaluated 2024-11-13.

Conditions:
Inborn genetic diseases. Identifiers: MedGen C0950123, MeSH D030342.
Joubert syndrome. Also called: JOUBERT-BOLTSHAUSER SYNDROME; Familial aplasia of the vermis. Identifiers: Orphanet 475, MedGen C5979921, MONDO:0018772.
Meckel-Gruber syndrome. Also called: Dysencephalia splachnocystica; DYSENCEPHALIA SPLANCHNOCYSTICA; GRUBER SYNDROME. Identifiers: Orphanet 564, MedGen C0265215, MONDO:0018921.

Allele frequency attached by ClinVar (database versions not stated): gnomAD exomes 0.00001; ExAC 0.00002; TOPMed 0.00004; gnomAD 0.00005 and 0.00006; ESP Exome Variant Server 0.00008.
gnomAD v4.1: 25 of 1,613,884 alleles (0.0015%); highest among the groups gnomAD compares: East Asian, 0.016%; no homozygotes.

Submissions (2):

Ambry Genetics
Classification: Uncertain significance for Inborn genetic diseases. Last evaluated: 2024-11-13. Review status: criteria provided, single submitter. Criteria: Ambry Variant Classification Scheme 2023. Collection method: clinical testing. Allele origin: germline.

Labcorp Genetics (formerly Invitae), Labcorp
Classification: Uncertain significance for Joubert syndrome; Meckel-Gruber syndrome. Last evaluated: 2022-10-13. Review status: criteria provided, single submitter. Criteria: Invitae Variant Classification Sherloc (09022015). Collection method: clinical testing. Allele origin: germline.
Comment: This sequence change replaces glutamic acid, which is acidic and polar, with lysine, which is basic and polar, at codon 549 of the CC2D2A protein (p.Glu549Lys). This variant is present in population databases (rs368788560, gnomAD 0.02%). This variant has not been reported in the literature in individuals affected with CC2D2A-related conditions. ClinVar contains an entry for this variant (Variation ID: 1052735). Advanced modeling of protein sequence and biophysical properties (such as structural, functional, and spatial information, amino acid conservation, physicochemical variation, residue mobility, and thermodynamic stability) performed at Invitae indicates that this missense variant is not expected to disrupt CC2D2A protein function. In summary, the available evidence is currently insufficient to determine the role of this variant in disease. Therefore, it has been classified as a Variant of Uncertain Significance.

NM_001378615.1(CC2D2A):c.1645G>A (p.Glu549Lys)

Genes: CC2D2A (coiled-coil and C2 domain containing 2A; plus strand), FBXL5 (F-box and leucine rich repeat protein 5; minus strand). Cytogenetic location: 4p15.32.
Variant type: single nucleotide variant.
Coding change: c.1645G>A on transcript NM_001378615.1 (MANE Select); coding-DNA position 1645, G replaced by A.
Protein change: p.Glu549Lys; replaces glutamic acid 549 with lysine.
Molecular consequence: missense variant.
Genome position (GRCh38, 1-based): chr4:15,536,957, G>A. VCF-style: chr4-15536957-G-A. GRCh37 (hg19) VCF-style: chr4-15538580-G-A.
Other names: c.1645G>A, p.Glu549Lys (NM_001080522.2); c.1498G>A, p.Glu500Lys (NM_001378617.1); short protein forms E500K, E549K.
Identifiers: ClinVar variation 1052735 (VCV001052735.5), dbSNP rs368788560, ClinGen allele CA2863725.
Genomic context (GRCh38, chr4:15,536,957, plus strand): 5'-AGGGACTACAAATTATTTTAAAGGGAAAAAGCTGACCAGAAAGCAGATGAAGAAGCATAT[G>A]AAGCAGAAATTCAAGCTGAAATAAGTGAACTGTTAGAAGAGCACACGGAGGAGTACGCAC-3'
Protein context (NP_001365544.1, residues 539-559): ADQKADEEAY[Glu549Lys]AEIQAEISEL